The following is an entry in ClinVar:

NM_001365999.1(SZT2):c.7446G>A (p.Glu2482=)

Gene: SZT2 (SZT2 subunit of KICSTOR complex; plus strand). Cytogenetic location: 1p34.2.
Variant type: single nucleotide variant.
Coding change: c.7446G>A on transcript NM_001365999.1 (MANE Select); coding-DNA position 7446, G replaced by A.
Protein change: p.Glu2482=; no amino-acid change (glutamic acid 2482 retained).
Molecular consequence: synonymous variant.
Genome position (GRCh38, 1-based): chr1:43,441,315, G>A. VCF-style: chr1-43441315-G-A. GRCh37 (hg19) VCF-style: chr1-43906986-G-A.
Other names: c.7275G>A, p.Glu2425= (NM_015284.4).
Identifiers: ClinVar variation 590164 (VCV000590164.28), dbSNP rs979339741, ClinGen allele CA417550638.

ClinVar aggregate classification (germline): Likely benign. Review status: criteria provided, multiple submitters, no conflicts (2 of 4 stars). 3 submissions from 3 submitters: Likely benign (3). Last evaluated 2023-04-11.

Conditions:
Developmental and epileptic encephalopathy, 18 (DEE18). Also called: Early infantile epileptic encephalopathy 18. Identifiers: Orphanet 369894, MedGen C3809624, MONDO:0014201, OMIM 615476.
Inborn genetic diseases. Identifiers: MedGen C0950123, MeSH D030342.

gnomAD v4.1: 3 of 1,614,246 alleles (0.00019%); highest among the groups gnomAD compares: Non-Finnish European, 0.00025%; no homozygotes.

Submissions (3):

Genome-Nilou Lab
Classification: Likely benign for Developmental and epileptic encephalopathy, 18. Last evaluated: 2023-04-11. Review status: criteria provided, single submitter. Criteria: ACMG Guidelines, 2015. Collection method: clinical testing. Allele origin: germline. Affected: no.

CeGaT Center for Human Genetics Tuebingen
Classification: Likely benign. Last evaluated: 2022-05-01. Review status: criteria provided, single submitter. Criteria: CeGaT Center For Human Genetics Tuebingen Variant Classification Criteria Version 2. Collection method: clinical testing. Allele origin: germline. Affected: yes. Observed: 1 variant allele.
Comment: SZT2: PM2:Supporting, BP4, BP7

Ambry Genetics
Classification: Likely benign for Inborn genetic diseases. Last evaluated: 2017-05-26. Review status: criteria provided, single submitter. Criteria: Ambry Variant Classification Scheme 2023. Collection method: clinical testing. Allele origin: germline.